The following is an entry in ClinVar:

NM_014754.3(PTDSS1):c.214G>A (p.Gly72Ser)

Gene: PTDSS1 (phosphatidylserine synthase 1; plus strand). Cytogenetic location: 8q22.1.
Variant type: single nucleotide variant.
Coding change: c.214G>A on transcript NM_014754.3 (MANE Select); coding-DNA position 214, G replaced by A.
Protein change: p.Gly72Ser; replaces glycine 72 with serine.
Molecular consequence: missense variant. On other transcripts: 5 prime UTR variant (1).
Genome position (GRCh38, 1-based): chr8:96,273,333, G>A. VCF-style: chr8-96273333-G-A. GRCh37 (hg19) VCF-style: chr8-97285561-G-A.
Other names: c.-55G>A (NM_001290225.2); c.214G>A (NM_014754.1); short protein forms G72S.
Identifiers: ClinVar variation 730485 (VCV000730485.23), dbSNP rs149279242, ClinGen allele CA4816507.

ClinVar aggregate classification (germline): Benign/Likely benign. Review status: criteria provided, multiple submitters, no conflicts (2 of 4 stars). 6 submissions from 6 submitters: Benign (1); Likely benign (5). Last evaluated 2026-06-30.

Conditions:
Inborn genetic diseases. Identifiers: MedGen C0950123, MeSH D030342.
PTDSS1-related disorder. Also called: PTDSS1-related condition.

Allele frequency attached by ClinVar (database versions not stated): 1000 Genomes Project 0.00020; 1000 Genomes Project 30x 0.00031; ESP Exome Variant Server 0.00031; TOPMed 0.00078; ExAC 0.00079; gnomAD exomes 0.00082 and 0.00129; gnomAD 0.00104 and 0.00109.
gnomAD v4.1: 2,041 of 1,612,336 alleles (0.13%); highest among the groups gnomAD compares: Non-Finnish European, 0.16%; 3 homozygotes.

Submissions (6):

PreventionGenetics, part of Exact Sciences
Classification: Likely benign for PTDSS1-related condition. Last evaluated: 2026-06-30. Review status: criteria provided, single submitter. Criteria: ACMG Guidelines, 2015. Collection method: clinical testing. Allele origin: germline.
Comment: This variant is classified as likely benign based on ACMG/AMP sequence variant interpretation guidelines (Richards et al. 2015 PMID: 25741868, with internal and published modifications).

Labcorp Genetics (formerly Invitae), Labcorp
Classification: Likely benign. Last evaluated: 2026-01-24. Review status: criteria provided, single submitter. Criteria: Invitae Variant Classification Sherloc (09022015). Collection method: clinical testing. Allele origin: germline.

CeGaT Center for Human Genetics Tuebingen
Classification: Benign. Last evaluated: 2025-05-01. Review status: criteria provided, single submitter. Criteria: CeGaT Center For Human Genetics Tuebingen Variant Classification Criteria Version 2. Collection method: clinical testing. Allele origin: germline. Affected: yes. Observed: 1 variant allele.
Comment: PTDSS1: BS1, BS2

Laboratory of Genetics, Children's Clinical University Hospital Latvia
Classification: Likely benign. Last evaluated: 2025-02-16. Review status: criteria provided, single submitter. Criteria: ACMG Guidelines, 2015. Collection method: clinical testing. Allele origin: germline. Affected: yes.

Blueprint Genetics
Classification: Likely benign. Last evaluated: 2024-11-12. Review status: criteria provided, single submitter. Criteria: ACMG Guidelines, 2015. Collection method: clinical testing. Allele origin: germline.

Ambry Genetics
Classification: Likely benign for Inborn genetic diseases. Last evaluated: 2022-02-09. Review status: criteria provided, single submitter. Criteria: Ambry Variant Classification Scheme 2023. Collection method: clinical testing. Allele origin: germline.